The following is an entry in ClinVar:

ClinVar aggregate classification (germline): Uncertain significance. Review status: criteria provided, multiple submitters, no conflicts (2 of 4 stars). 3 submissions from 3 submitters: Uncertain significance (2). 1 of the submissions does not count toward it. Last evaluated 2022-04-02.

Conditions:
Fanconi anemia (FA). Also called: Fanconi's anemia. Identifiers: Orphanet 84, MedGen C0015625, MeSH D005199, MONDO:0019391.
FANCA-related disorder. Also called: FANCA-related condition.
Fanconi anemia complementation group A (FANCA). Also called: Fanconi anemia, group A; FANCA-Related Fanconi Anemia. Identifiers: Orphanet 84, MedGen C3469521, MONDO:0009215, OMIM 227650.

Allele frequency attached by ClinVar (database versions not stated): TOPMed 0.00004; ESP Exome Variant Server 0.00008.
gnomAD v4.1: 36 of 1,614,020 alleles (0.0022%); highest among the groups gnomAD compares: Non-Finnish European, 0.0029%; no homozygotes.

Submissions (3):

Labcorp Genetics (formerly Invitae), Labcorp
Classification: Uncertain significance for Fanconi anemia. Last evaluated: 2022-04-02. Review status: criteria provided, single submitter. Criteria: Invitae Variant Classification Sherloc (09022015). Collection method: clinical testing. Allele origin: germline.
Comment: This sequence change replaces serine, which is neutral and polar, with cysteine, which is neutral and slightly polar, at codon 443 of the FANCA protein (p.Ser443Cys). This variant is present in population databases (rs367733447, gnomAD 0.002%). This variant has not been reported in the literature in individuals affected with FANCA-related conditions. ClinVar contains an entry for this variant (Variation ID: 321361). Advanced modeling of protein sequence and biophysical properties (such as structural, functional, and spatial information, amino acid conservation, physicochemical variation, residue mobility, and thermodynamic stability) performed at Invitae indicates that this missense variant is not expected to disrupt FANCA protein function. Algorithms developed to predict the effect of sequence changes on RNA splicing suggest that this variant may create or strengthen a splice site. In summary, the available evidence is currently insufficient to determine the role of this variant in disease. Therefore, it has been classified as a Variant of Uncertain Significance.

Illumina Laboratory Services, Illumina
Classification: Uncertain significance for Fanconi anemia complementation group A. Last evaluated: 2018-01-12. Review status: criteria provided, single submitter. Criteria: ICSL Variant Classification Criteria 13 December 2019. Collection method: clinical testing. Allele origin: germline.

PreventionGenetics, part of Exact Sciences
Classification: Uncertain significance for FANCA-related condition. Last evaluated: 2024-03-04. Review status: no assertion criteria provided. Collection method: clinical testing. Allele origin: germline. Not counted in ClinVar's aggregate classification.
Comment: The FANCA c.1328C>G variant is predicted to result in the amino acid substitution p.Ser443Cys. To our knowledge, this variant has not been reported in the literature. This variant is reported in 0.0023% of alleles in individuals of European (Non-Finnish) descent in gnomAD. It is interpreted as a variant of uncertain significance in ClinVar. At this time, the clinical significance of this variant is uncertain due to the absence of conclusive functional and genetic evidence.

NM_000135.4(FANCA):c.1328C>G (p.Ser443Cys)

Gene: FANCA (FA complementation group A; minus strand). Cytogenetic location: 16q24.3.
Variant type: single nucleotide variant.
Coding change: c.1328C>G on transcript NM_000135.4 (MANE Select); coding-DNA position 1328, C replaced by G.
Protein change: p.Ser443Cys; replaces serine 443 with cysteine.
Molecular consequence: missense variant.
Genome position (GRCh38, 1-based): chr16:89,791,434, G>C on the plus strand (C>G on the coding strand, the complement: FANCA is on the minus strand). VCF-style: chr16-89791434-G-C. GRCh37 (hg19) VCF-style: chr16-89857842-G-C.
Other names: c.1328C>G (LRG_495t1); c.1328C>G, p.Ser443Cys (NM_001286167.3); short protein forms S443C.
Identifiers: ClinVar variation 321361 (VCV000321361.13), dbSNP rs367733447, ClinGen allele CA8252403.
Genomic context (GRCh38, chr16:89,791,434, plus strand): 5'-ATTAGGTAGCCGATTGGCAGGTCACTTACCTTGAACCAGTCTGCATATGACAGGAACGCA[G>C]AGGGGCCCTCCAGTGCTGCCTGGCGCACAACCAGGAACGCAGTGACCATGCTGTCCAGCT-3'
Protein context (NP_000126.2, residues 433-453): VVRQAALEGP[Ser443Cys]AFLSYADWFK